The following is an entry in ClinVar:

ClinVar aggregate classification (germline): Conflicting classifications of pathogenicity. Review status: criteria provided, conflicting classifications (1 of 4 stars). 5 submissions from 5 submitters: Uncertain significance (3); Likely benign (1). 1 of the submissions does not count toward it. Last evaluated 2025-04-14.

Conditions:
Breast-ovarian cancer, familial, susceptibility to, 1 (BROVCA1). Also called: BRCA1 Hereditary Breast and Ovarian Cancer; OVARIAN CANCER, SUSCEPTIBILITY TO. Identifiers: Orphanet 145, MedGen C2676676, MONDO:0011450, OMIM 604370. Disease mechanism: loss of function.
Hereditary cancer-predisposing syndrome. Also called: Hereditary Cancer Syndrome; Neoplastic Syndromes, Hereditary; Hereditary neoplastic syndrome; Tumor predisposition. Identifiers: Orphanet 140162, MedGen C0027672, MeSH D009386, MONDO:0015356.
Hereditary breast ovarian cancer syndrome. Also called: Hereditary breast and/or ovarian cancer syndrome; Hereditary breast and ovarian cancer syndrome; Hereditary breast and ovarian cancer; Hereditary breast and ovarian cancer syndrome (HBOC); Breast and ovarian cancer; BRCA1- and BRCA2-Associated Hereditary Breast and Ovarian Cancer. Identifiers: Orphanet 145, MedGen C0677776, MeSH D061325, MONDO:0003582. Disease mechanism: loss of function.

Allele frequency attached by ClinVar (database versions not stated): gnomAD exomes below 0.00001.
gnomAD v4.1: 2 of 1,613,884 alleles (0.00012%); no homozygotes.

Submissions (5):

Ambry Genetics
Classification: Uncertain significance for Hereditary cancer-predisposing syndrome. Last evaluated: 2025-04-14. Review status: criteria provided, single submitter. Criteria: Ambry Variant Classification Scheme 2023. Collection method: clinical testing. Allele origin: germline.
Comment: The p.A883V variant (also known as c.2648C>T), located in coding exon 9 of the BRCA1 gene, results from a C to T substitution at nucleotide position 2648. The alanine at codon 883 is replaced by valine, an amino acid with similar properties. This amino acid position is not well conserved in available vertebrate species. In addition, this alteration is predicted to be tolerated by in silico analysis. Since supporting evidence is limited at this time, the clinical significance of this alteration remains unclear.

Labcorp Genetics (formerly Invitae), Labcorp
Classification: Uncertain significance for Hereditary breast ovarian cancer syndrome. Last evaluated: 2025-02-18. Review status: criteria provided, single submitter. Criteria: Invitae Variant Classification Sherloc (09022015). Collection method: clinical testing. Allele origin: germline.
Comment: This sequence change replaces alanine, which is neutral and non-polar, with valine, which is neutral and non-polar, at codon 883 of the BRCA1 protein (p.Ala883Val). The frequency data for this variant in the population databases is considered unreliable, as metrics indicate poor data quality at this position in the gnomAD database. This variant has not been reported in the literature in individuals affected with BRCA1-related conditions. ClinVar contains an entry for this variant (Variation ID: 96907). Invitae Evidence Modeling of protein sequence and biophysical properties (such as structural, functional, and spatial information, amino acid conservation, physicochemical variation, residue mobility, and thermodynamic stability) indicates that this missense variant is not expected to disrupt BRCA1 protein function with a negative predictive value of 80%. In summary, the available evidence is currently insufficient to determine the role of this variant in disease. Therefore, it has been classified as a Variant of Uncertain Significance.

Women's Health and Genetics/Laboratory Corporation of America, LabCorp
Classification: Uncertain significance. Last evaluated: 2025-01-05. Review status: criteria provided, single submitter. Criteria: LabCorp Variant Classification Summary - May 2015. Collection method: clinical testing. Allele origin: germline.

University of Washington Department of Laboratory Medicine, University of Washington
Classification: Likely benign for Hereditary cancer-predisposing syndrome. Last evaluated: 2023-03-23. Review status: criteria provided, single submitter. Criteria: Dines et al. (Genet Med. 2020). Collection method: curation. Allele origin: germline.
Comment: Missense variant in a coldspot region where missense variants are very unlikely to be pathogenic (PMID:31911673).

BRCA1 coldspot (exon 11 using historical exon numbering). Reclassification based on statistical prior probability

Sharing Clinical Reports Project (SCRP)
Classification: Uncertain significance for Breast-ovarian cancer, familial 1. Last evaluated: 2010-03-04. Review status: no assertion criteria provided. Collection method: clinical testing. Allele origin: germline. Not counted in ClinVar's aggregate classification.

NM_007294.4(BRCA1):c.2648C>T (p.Ala883Val)

Gene: BRCA1 (BRCA1 DNA repair associated; minus strand). Cytogenetic location: 17q21.31.
Variant type: single nucleotide variant.
Coding change: c.2648C>T on transcript NM_007294.4 (MANE Select); coding-DNA position 2648, C replaced by T.
Protein change: p.Ala883Val; replaces alanine 883 with valine.
Molecular consequence: missense variant. On other transcripts: intron variant (137).
Genome position (GRCh38, 1-based): chr17:43,092,883, G>A on the plus strand (C>T on the coding strand, the complement: BRCA1 is on the minus strand). VCF-style: chr17-43092883-G-A. GRCh37 (hg19) VCF-style: chr17-41244900-G-A.
Other names: 2767C>T; c.2435C>T, p.Ala812Val (NM_001407571.1, NM_001407915.1, NM_001407916.1 and 9 more transcripts); c.2648C>T, p.Ala883Val (NM_001407581.1, NM_001407582.1, NM_001407583.1 and 30 more transcripts); c.2645C>T, p.Ala882Val (NM_001407587.1, NM_001407590.1, NM_001407591.1 and 22 more transcripts); c.2570C>T, p.Ala857Val (NM_001407653.1, NM_001407654.1, NM_001407655.1 and 4 more transcripts); c.2567C>T, p.Ala856Val (NM_001407659.1, NM_001407660.1, NM_001407661.1 and 1 more transcripts); c.2522C>T, p.Ala841Val (NM_001407671.1, NM_001407672.1, NM_001407673.1 and 11 more transcripts); c.2525C>T, p.Ala842Val (NM_001407674.1, NM_001407675.1, NM_001407676.1 and 19 more transcripts); and 42 more; short protein forms A883V, A836V, A715V, A755V, A812V, A856V, A756V, A772V.
Identifiers: ClinVar variation 96907 (VCV000096907.13), dbSNP rs431825391, ClinGen allele CA001735.